The following is an entry in ClinVar:

ClinVar aggregate classification (germline): Conflicting classifications of pathogenicity. Review status: criteria provided, conflicting classifications (1 of 4 stars). 6 submissions from 6 submitters: Pathogenic (1); Uncertain significance (1); Benign (1). 3 of the submissions do not count toward it. Last evaluated 2024-06-25.

Conditions:
Koolen-de Vries syndrome (KDVS). Identifiers: Orphanet 96169, MedGen C1864871, MONDO:0012496, OMIM 610443.

Submissions (6):

Genomic Medicine, Universita Cattolica del Sacro Cuore
Classification: Benign for Koolen-de Vries syndrome. Last evaluated: 2024-06-25. Review status: criteria provided, single submitter. Criteria: ACMG Guidelines, 2015. Collection method: clinical testing, in vitro. Allele origin: paternal, maternal, de novo, not applicable. Affected: no. Observed: 3 heterozygotes. Clinical features observed: Severe global developmental delay (HP:0011344), Microcephaly (HP:0000252), Severe intellectual disability (HP:0010864), Upslanted palpebral fissure (HP:0000582), Bulbous nose (HP:0000414), Moderate intellectual disability (HP:0002342), Delayed speech and language development (HP:0000750).
Comment: By cDNA analysis, it has been demonstrated that the variant involves a non-functional KANSL1 pseudogene that can be found in some structural haplotypes (PMID: 22751100, PMID: 22751096, PMID: 33050294). IMPORTANT: this variant has been classified as benign in this case because it affects neither functional allele of the KANSL1 gene. it, instead, involves a duplicated genomic region that includes the first two (or three) exons of the KANSL1 transcript NM_015443.4. On the contrary, it should have been considered pathogenic if it was mapped within either functional copy of the KANSL1 gene (PMID: 26306646). It is not possible to define if the variant affects the duplicated region or the functional KANSL1 gene sequence solely on the basis of genomic DNA sequencing results. This variant is reported in the gnomAD database v4.1.0 with a frequency of 0.000005085 in non-Finnish European population (6 out of 1180044 alleles) and of 0.0002702 (8 out of 29606 alleles) in Ashkenazi Jewish population. We expect it is mismapped in those subjects (who are supposed not to be affected by KdVS) and involves the polymorphic duplication of KANSL1 exon 2.

GeneDx
Classification: Uncertain significance. Last evaluated: 2024-06-21. Review status: criteria provided, single submitter. Criteria: GeneDx Variant Classification Process June 2021. Collection method: clinical testing. Allele origin: germline. Affected: yes.
Comment: Frameshift variant predicted to result in protein truncation or nonsense mediated decay in a gene for which loss of function is a known mechanism of disease; This variant is associated with the following publications: (PMID: 22751096, 34356170, 20301783, 25326635, 33004838, 26306646)

Mendelics
Classification: Pathogenic for Koolen-de Vries syndrome. Last evaluated: 2022-05-04. Review status: criteria provided, single submitter. Criteria: Mendelics Assertion Criteria 2019. Collection method: clinical testing. Allele origin: germline.

OMIM
Classification: Pathogenic for KOOLEN-DE VRIES SYNDROME. Last evaluated: 2024-10-02. Review status: no assertion criteria provided. Collection method: literature only. Allele origin: germline. Not counted in ClinVar's aggregate classification.

GeneReviews
No classification provided. Condition: Koolen-de Vries syndrome. Review status: no classification provided. Collection method: literature only. Allele origin: unknown. Not counted in ClinVar's aggregate classification.

Baylor Genetics
Classification: Uncertain significance for Koolen-de Vries syndrome. Last evaluated: 2017-09-01. Review status: flagged submission. Criteria: ACMG Guidelines, 2015. Collection method: clinical testing. Allele origin: germline. Inheritance: Autosomal dominant inheritance. Affected: yes. Not counted in ClinVar's aggregate classification.
Comment: However, inheritance was not determined, and of note, the promoter and 5' exons of KANSL1 can be partially duplicated in some individuals. Exome and Sanger data could not distinguish if this change is located in the real KANSL1 gene or the duplicated copy of the gene
ClinVar note: Notes: Lab calls variant likely pathogenic in evidence summary but submitted interpretation of uncertain significance.
ClinVar note: Reason: Other submission error

Literature cited by the submitters: PubMed 33050294 (cited by Genomic Medicine, Universita Cattolica del Sacro Cuore); PubMed 26306646 (cited by OMIM); PubMed 20301783 (cited by GeneReviews); NCBI Bookshelf NBK24676 (cited by GeneReviews); PubMed 25326635 (cited by Baylor Genetics).

NM_015443.4(KANSL1):c.985_986del (p.Leu329fs)

Gene: KANSL1 (KAT8 regulatory NSL complex subunit 1). Cytogenetic location: 17q21.31.
Variant type: Deletion.
Coding change: c.985_986del on transcript NM_015443.4 (MANE Select); coding-DNA positions 985 to 986, 2 bases deleted.
Protein change: p.Leu329fs; shifts the reading frame from leucine 329.
Molecular consequence: frameshift variant.
Genome position: GRCh38 VCF-style: chr17-46171157-CAA-C. GRCh37 (hg19) VCF-style: chr17-44248523-CAA-C.
Other names: c.985_986del, p.Leu329fs (NM_001193465.2, NM_001193466.2, NM_001379198.1); short protein forms L329fs.
Identifiers: ClinVar variation 38930 (VCV000038930.9), dbSNP rs281865473, ClinGen allele CA343197.